The following is an entry in ClinVar:

ClinVar aggregate classification (germline): Benign. Review status: criteria provided, multiple submitters, no conflicts (2 of 4 stars). 4 submissions from 4 submitters: Benign (3). 1 of the submissions does not count toward it. Last evaluated 2022-03-29.

Conditions:
Ischemic stroke. Also called: CEREBROVASCULAR ACCIDENT; Ischemic stroke, susceptibility to. Identifiers: MedGen C0948008, MONDO:1060198, OMIM 601367, HP:0002140.
Congenital prothrombin deficiency. Also called: HYPOPROTHROMBINEMIA; Hereditary factor II deficiency disease; Factor II deficiency; Inherited hypoprothrombinemia; Congenital factor II deficiency; Inherited prothrombin deficiency. Identifiers: Orphanet 325, MedGen C0272317, MONDO:0013361, OMIM 613679.
Thrombophilia due to thrombin defect (THPH1). Also called: Prothrombin Thrombophilia; Thrombosis susceptibility; THROMBOPHILIA DUE TO FACTOR 2 DEFECT; Prothrombin-Related Thrombophilia (Factor II). Identifiers: MedGen C3160733, MONDO:0008559, OMIM 188050. Disease mechanism: gain of function, loss of function.
Pregnancy loss, recurrent, susceptibility to, 2 (RPRGL2). Identifiers: MedGen C3280672, MONDO:0013728, OMIM 614390.

Allele frequency attached by ClinVar (database versions not stated): 1000 Genomes Project 0.28295; 1000 Genomes Project 30x 0.28592; TOPMed 0.36473; gnomAD 0.38176 and 0.38221; gnomAD exomes 0.49230.
gnomAD v4.1: 776,545 of 1,613,514 alleles (48%); highest among the groups gnomAD compares: Non-Finnish European, 53%; 197,768 homozygotes.

Submissions (4):

Fulgent Genetics
Classification: Benign for Thrombophilia due to thrombin defect; Ischemic stroke; Congenital prothrombin deficiency; Pregnancy loss, recurrent, susceptibility to, 2. Last evaluated: 2022-03-29. Review status: criteria provided, single submitter. Criteria: ACMG Guidelines, 2015. Collection method: clinical testing. Allele origin: unknown.

GeneDx
Classification: Benign. Last evaluated: 2018-11-11. Review status: criteria provided, single submitter. Criteria: GeneDx Variant Classification Process June 2021. Collection method: clinical testing. Allele origin: germline. Affected: yes.
Comment: This variant is associated with the following publications: (PMID: 11434686, 14504098, 16981886, 19652888, 17059428)

Breakthrough Genomics
Classification: Benign. Review status: criteria provided, single submitter. Criteria: ACMG Guidelines, 2015. Collection method: not provided. Allele origin: germline. Inheritance: Autosomal recessive inheritance. Affected: yes.

GeneReviews
No classification provided. Condition: Thrombophilia due to thrombin defect. Review status: no classification provided. Collection method: literature only. Allele origin: germline. Affected: yes. Not counted in ClinVar's aggregate classification.

Literature cited by the submitters: NCBI Bookshelf NBK1148 (cited by GeneReviews).

NM_000506.5(F2):c.1726-59G>A

Gene: F2 (coagulation factor II, thrombin; plus strand). Cytogenetic location: 11p11.2.
Variant type: single nucleotide variant.
Coding change: c.1726-59G>A on transcript NM_000506.5 (MANE Select); 59 bases into the intron before coding-DNA position 1726, G replaced by A.
Molecular consequence: intron variant.
Genome position (GRCh38, 1-based): chr11:46,739,206, G>A. VCF-style: chr11-46739206-G-A. GRCh37 (hg19) VCF-style: chr11-46760756-G-A.
Other names: 19911A>G.
Identifiers: ClinVar variation 143996 (VCV000143996.7), dbSNP rs3136516, ClinGen allele CA345766.